The following is an entry in ClinVar:

NM_001009944.3(PKD1):c.10964del (p.Phe3655fs)

Genes: PKD1 (polycystin 1, transient receptor potential channel interacting; minus strand), PKD1-AS1 (PKD1 antisense RNA 1; plus strand). Cytogenetic location: 16p13.3.
Variant type: Deletion.
Coding change: c.10964del on transcript NM_001009944.3 (MANE Select); coding-DNA position 10964, one base deleted (T; older notation c.10964delT).
Protein change: p.Phe3655fs; shifts the reading frame from phenylalanine 3655.
Molecular consequence: frameshift variant.
Genome position (GRCh38, 1-based): chr16:2,093,596, A deleted on the plus strand (T on the coding strand, the reverse complement: PKD1 is on the minus strand); the first of 2 consecutive A bases (chr16:2,093,596-2,093,597); deleting either gives the same sequence. VCF-style (leftmost placement, unchanged base first): chr16-2093595-GA-G. GRCh37 (hg19) VCF-style: chr16-2143596-GA-G.
Other names: c.10961del, p.Phe3654fs (NM_000296.4); c.10963delT, p.Phe3655Serfs (NM_001009944.2); short protein forms F3654fs, F3655fs.
Identifiers: ClinVar variation 2504561 (VCV002504561.1), dbSNP rs2544646806, ClinGen allele CA2580613383.
Genomic context (GRCh38, chr16:2,093,595, plus strand): 5'-CAGGCTCACCCGCAGCATGCCATGTAGCCTCTTGACCTTGCGGGCTTCTTCCTTGGCCAG[GA>G]AGAGTGCAAAGCCGTGGGGTGGCCGTACGCGGGGCACACGTGCGCTCACAGGCGTCACAG-3'

ClinVar aggregate classification (germline): Pathogenic (1 of 4 stars; one submission).

Submission:

GeneDx
Classification: Pathogenic. Last evaluated: 2023-05-31. Review status: criteria provided, single submitter. Criteria: GeneDx Variant Classification Process June 2021. Collection method: clinical testing. Allele origin: germline. Affected: yes.
Comment: Frameshift variant predicted to result in protein truncation or nonsense mediated decay in a gene for which loss-of-function is a known mechanism of disease; Not observed at significant frequency in large population cohorts (gnomAD); This variant is associated with the following publications: (PMID: 27499327, 27535533)